The following is an entry in ClinVar:

NM_212482.4(FN1):c.6014C>T (p.Thr2005Ile)

Genes: FN1 (fibronectin 1; minus strand), LOC126806496 (CDK7 strongly-dependent group 2 enhancer GRCh37_chr2:216240057-216241256; plus strand). Cytogenetic location: 2q35.
Variant type: single nucleotide variant.
Coding change: c.6014C>T on transcript NM_212482.4 (MANE Select); coding-DNA position 6014, C replaced by T.
Protein change: p.Thr2005Ile; replaces threonine 2005 with isoleucine.
Molecular consequence: missense variant.
Genome position (GRCh38, 1-based): chr2:215,375,357, G>A on the plus strand (C>T on the coding strand, the complement: FN1 is on the minus strand). VCF-style: chr2-215375357-G-A. GRCh37 (hg19) VCF-style: chr2-216240080-G-A.
Other names: c.6014C>T, p.Thr2005Ile (NM_001306129.2); c.5744C>T, p.Thr1915Ile (NM_001306130.2, NM_001365517.2, NM_001365519.2 and 2 more transcripts); c.5471C>T, p.Thr1824Ile (NM_001306131.2, NM_001306132.2, NM_001365523.2 and 2 more transcripts); c.5741C>T, p.Thr1914Ile (NM_001365518.2, NM_001365520.2, NM_001365524.2 and 2 more transcripts); short protein forms T2005I, T1915I, T1824I, T1914I.
Identifiers: ClinVar variation 4770806 (VCV004770806.1).

ClinVar aggregate classification (germline): Uncertain significance (1 of 4 stars; one submission).

gnomAD v4.1: 3 of 1,614,152 alleles (0.00019%); highest among the groups gnomAD compares: Non-Finnish European, 0.00025%; no homozygotes.

Submission:

Labcorp Genetics (formerly Invitae), Labcorp
Classification: Uncertain significance. Last evaluated: 2025-12-19. Review status: criteria provided, single submitter. Criteria: Invitae Variant Classification Sherloc (09022015). Collection method: clinical testing. Allele origin: germline.
Comment: This sequence change replaces threonine, which is neutral and polar, with isoleucine, which is neutral and non-polar, at codon 2005 of the FN1 protein (p.Thr2005Ile). This variant is present in population databases (no rsID available, gnomAD 0.0009%). This variant has not been reported in the literature in individuals affected with FN1-related conditions. An algorithm developed to predict the effect of missense changes on protein structure and function (PolyPhen-2) suggests that this variant is likely to be disruptive. In summary, the available evidence is currently insufficient to determine the role of this variant in disease. Therefore, it has been classified as a Variant of Uncertain Significance.